The following is an entry in ClinVar:

NM_017696.3(MCM9):c.3286A>G (p.Met1096Val)

Gene: MCM9 (minichromosome maintenance 9 homologous recombination repair factor; minus strand). Cytogenetic location: 6q22.31.
Variant type: single nucleotide variant.
Coding change: c.3286A>G on transcript NM_017696.3 (MANE Select); coding-DNA position 3286, A replaced by G.
Protein change: p.Met1096Val; replaces methionine 1096 with valine.
Molecular consequence: missense variant. On other transcripts: 3 prime UTR variant (4), non-coding transcript variant (1).
Genome position (GRCh38, 1-based): chr6:118,814,970, T>C on the plus strand (A>G on the coding strand, the complement: MCM9 is on the minus strand). VCF-style: chr6-118814970-T-C. GRCh37 (hg19) VCF-style: chr6-119136133-T-C.
Other names: c.3286A>G, p.Met1096Val (NM_001378356.1, NM_001378357.1); c.*1193A>G (NM_001378359.1, NM_001378360.1, NM_001378366.1 and 1 more transcripts); c.3082A>G, p.Met1028Val (NM_001378364.1); short protein forms M1096V, M1028V.
Identifiers: ClinVar variation 774185 (VCV000774185.6), dbSNP rs61742362, ClinGen allele CA3978245.

ClinVar aggregate classification (germline): Likely benign. Review status: criteria provided, single submitter (1 of 4 stars). 2 submissions from 2 submitters: Likely benign (1). 1 of the submissions does not count toward it. Last evaluated 2019-12-31.

Conditions:
MCM9-related disorder. Also called: MCM9-related condition.

Allele frequency attached by ClinVar (database versions not stated): 1000 Genomes Project 0.00040; 1000 Genomes Project 30x 0.00047; TOPMed 0.00193; gnomAD 0.00211 and 0.00218; ExAC 0.00218; gnomAD exomes 0.00240 and 0.00352.

Submissions (2):

Labcorp Genetics (formerly Invitae), Labcorp
Classification: Likely benign. Last evaluated: 2019-12-31. Review status: criteria provided, single submitter. Criteria: Invitae Variant Classification Sherloc (09022015). Collection method: clinical testing. Allele origin: germline.

PreventionGenetics, part of Exact Sciences
Classification: Benign for MCM9-related condition. Last evaluated: 2019-07-16. Review status: no assertion criteria provided. Collection method: clinical testing. Allele origin: germline. Not counted in ClinVar's aggregate classification.
Comment: This variant is classified as benign based on ACMG/AMP sequence variant interpretation guidelines (Richards et al. 2015 PMID: 25741868, with internal and published modifications).